The following is an entry in ClinVar:

NM_001013838.3(CARMIL2):c.2581A>G (p.Arg861Gly)

Gene: CARMIL2 (capping protein regulator and myosin 1 linker 2; plus strand). Cytogenetic location: 16q22.1.
Variant type: single nucleotide variant.
Coding change: c.2581A>G on transcript NM_001013838.3 (MANE Select); coding-DNA position 2581, A replaced by G.
Protein change: p.Arg861Gly; replaces arginine 861 with glycine.
Molecular consequence: missense variant.
Genome position (GRCh38, 1-based): chr16:67,651,838, A>G. VCF-style: chr16-67651838-A-G. GRCh37 (hg19) VCF-style: chr16-67685741-A-G.
Other names: c.2473A>G, p.Arg825Gly (NM_001317026.3); short protein forms R861G, R825G.
Identifiers: ClinVar variation 1525325 (VCV001525325.3), dbSNP rs532413015, ClinGen allele CA8113818.
Genomic context (GRCh38, chr16:67,651,838, plus strand): 5'-GCAGGCTCGAGGGGCCTCCCGGAGCTGCTCCCAGAGCAGCTGCTGCAAGATGCCTTCACT[A>G]GGCTCAGGTAGGCTGGATGGGGCTGGGCTGGGCAAGGCTGAGCAAAGCCAGCCCATTAAC-3'
Protein context (NP_001013860.1, residues 851-871): PEQLLQDAFT[Arg861Gly]LRDMRLSITG

ClinVar aggregate classification (germline): Uncertain significance (1 of 4 stars; one submission).

Allele frequency attached by ClinVar (database versions not stated): ExAC 0.00002; gnomAD exomes 0.00003 and 0.00004; gnomAD 0.00014; 1000 Genomes Project 0.00020; 1000 Genomes Project 30x 0.00031.
gnomAD v4.1: 65 of 1,612,372 alleles (0.004%); highest among the groups gnomAD compares: Admixed American, 0.042%; no homozygotes.

Submission:

Labcorp Genetics (formerly Invitae), Labcorp
Classification: Uncertain significance. Last evaluated: 2022-07-20. Review status: criteria provided, single submitter. Criteria: Invitae Variant Classification Sherloc (09022015). Collection method: clinical testing. Allele origin: germline.
Comment: This sequence change replaces arginine, which is basic and polar, with glycine, which is neutral and non-polar, at codon 861 of the CARMIL2 protein (p.Arg861Gly). This variant is present in population databases (rs532413015, gnomAD 0.02%). This variant has not been reported in the literature in individuals affected with CARMIL2-related conditions. ClinVar contains an entry for this variant (Variation ID: 1525325). Algorithms developed to predict the effect of missense changes on protein structure and function (SIFT, PolyPhen-2, Align-GVGD) all suggest that this variant is likely to be tolerated. In summary, the available evidence is currently insufficient to determine the role of this variant in disease. Therefore, it has been classified as a Variant of Uncertain Significance.